The following is an entry in ClinVar:

ClinVar aggregate classification (germline): Uncertain significance (1 of 4 stars; one submission).

Submission:

Labcorp Genetics (formerly Invitae), Labcorp
Classification: Uncertain significance. Last evaluated: 2022-08-16. Review status: criteria provided, single submitter. Criteria: Invitae Variant Classification Sherloc (09022015). Collection method: clinical testing. Allele origin: germline.
Comment: In summary, the available evidence is currently insufficient to determine the role of this variant in disease. Therefore, it has been classified as a Variant of Uncertain Significance. Algorithms developed to predict the effect of missense changes on protein structure and function are either unavailable or do not agree on the potential impact of this missense change (SIFT: "Deleterious"; PolyPhen-2: "Probably Damaging"; Align-GVGD: "Class C15"). ClinVar contains an entry for this variant (Variation ID: 1357419). This variant has not been reported in the literature in individuals affected with RAI1-related conditions. This variant is not present in population databases (gnomAD no frequency). This sequence change replaces leucine, which is neutral and non-polar, with phenylalanine, which is neutral and non-polar, at codon 396 of the RAI1 protein (p.Leu396Phe).

NM_030665.4(RAI1):c.1186C>T (p.Leu396Phe)

Gene: RAI1 (retinoic acid induced 1; plus strand). Cytogenetic location: 17p11.2.
Variant type: single nucleotide variant.
Coding change: c.1186C>T on transcript NM_030665.4 (MANE Select); coding-DNA position 1186, C replaced by T.
Protein change: p.Leu396Phe; replaces leucine 396 with phenylalanine.
Molecular consequence: missense variant.
Genome position (GRCh38, 1-based): chr17:17,794,134, C>T. VCF-style: chr17-17794134-C-T. GRCh37 (hg19) VCF-style: chr17-17697448-C-T.
Other names: short protein forms L396F.
Identifiers: ClinVar variation 1357419 (VCV001357419.8), dbSNP rs2143001856, ClinGen allele CA398547074.